The following is an entry in ClinVar:

NM_000152.5(GAA):c.1943G>A (p.Gly648Asp)

Gene: GAA (alpha glucosidase; plus strand). Cytogenetic location: 17q25.3.
Variant type: single nucleotide variant.
Coding change: c.1943G>A on transcript NM_000152.5 (MANE Select); coding-DNA position 1943, G replaced by A.
Protein change: p.Gly648Asp; replaces glycine 648 with aspartic acid.
Molecular consequence: missense variant.
Genome position (GRCh38, 1-based): chr17:80,112,930, G>A. VCF-style: chr17-80112930-G-A. GRCh37 (hg19) VCF-style: chr17-78086729-G-A.
Other names: c.1943G>A, p.Gly648Asp (NM_001079803.3, NM_001079804.3); short protein forms G648D.
Identifiers: ClinVar variation 972799 (VCV000972799.5), dbSNP rs1448515860, ClinGen allele CA401369924.

ClinVar aggregate classification (germline): Likely pathogenic. Review status: criteria provided, multiple submitters, no conflicts (2 of 4 stars). 4 submissions from 4 submitters: Likely pathogenic (4). Last evaluated 2026-07-01.

Conditions:
Glycogen storage disease, type II (IOPD). Also called: CARDIOMEGALIA GLYCOGENICA DIFFUSA; Glycogen storage disease type 2; Acid maltase deficiency disease; Aglucosidase alfa; Deficiency of alpha-glucosidase; Deficiency of lysosomal alpha-glucosidase. Identifiers: Orphanet 365, MedGen C0017921, MONDO:0009290, OMIM 232300.

Allele frequency attached by ClinVar (database versions not stated): gnomAD exomes below 0.00001; TOPMed below 0.00001; gnomAD 0.00001.
gnomAD v4.1: 2 of 1,610,636 alleles (0.00012%); highest among the groups gnomAD compares: Non-Finnish European, 0.00017%; no homozygotes.

Submissions (4):

Genomenon, Inc
Classification: Likely pathogenic for Glycogen storage disease, type II. Last evaluated: 2026-07-01. Review status: criteria provided, single submitter. Criteria: Genomenon Sequence Variant Interpretation Standards - Updated. Collection method: curation. Allele origin: germline. Affected: yes.
Comment: GAA p.Gly648Asp (c.1943G>A) is a missense variant that changes the amino acid at codon 648 from Glycine to Aspartic acid. This variant has been observed in at least one proband with a GAA-related disorder in the compound heterozygous and/or homozygous state (PMID:38313679;23843830). At least one functional study has demonstrated a substantial alteration in protein function relative to the wild-type (PMID:22644586). It is absent or not present at a significant frequency in gnomAD. In silico models predict that this variant is possibly or probably damaging. In conclusion, we classify GAA p.Gly648Asp (c.1943G>A) as a likely pathogenic variant.

Women's Health and Genetics/Laboratory Corporation of America, LabCorp
Classification: Likely pathogenic for Glycogen storage disease, type II. Last evaluated: 2024-11-01. Review status: criteria provided, single submitter. Criteria: LabCorp Variant Classification Summary - May 2015. Collection method: clinical testing. Allele origin: germline.
Comment: Variant summary: GAA c.1943G>A (p.Gly648Asp) results in a non-conservative amino acid change located in the Glycoside hydrolase family 31, TIM barrel domain (IPR000322) of the encoded protein sequence. Five of five in-silico tools predict a damaging effect of the variant on protein function. The variant allele was found at a frequency of 4.1e-06 in 242738 control chromosomes. c.1943G>A has been reported in the presumed compound heterozygous state in the literature in multiple individuals affected with primarly late onset Glycogen Storage Disease, Type 2 (Pompe Disease) (example Carter_2024, Papadimas_2012). These data indicate that the variant may be associated with disease. A different variant affecting the same codon has been classified as pathogenic by our lab (c.1942G>A, p.Gly648Ser), supporting the critical relevance of codon 648 to GAA protein function. At least one publication reports experimental evidence evaluating an impact on protein function. The most pronounced variant effect results in <10% of normal activity in vitro (Kroos_2012), however patient GAA activity in fibroblasts was higher. The following publications have been ascertained in the context of this evaluation (PMID: 38313679, 22644586, 23843830, 33451932, 23146291). ClinVar contains an entry for this variant (Variation ID: 972799). Based on the evidence outlined above, the variant was classified as likely pathogenic.

Baylor Genetics
Classification: Likely pathogenic for Glycogen storage disease, type II. Last evaluated: 2022-09-05. Review status: criteria provided, single submitter. Criteria: ACMG Guidelines, 2015. Collection method: clinical testing. Allele origin: unknown.

Broad Center for Mendelian Genomics, Broad Institute of MIT and Harvard
Classification: Likely pathogenic for Glycogen storage disease, type II. Last evaluated: 2020-01-15. Review status: criteria provided, single submitter. Criteria: ACMG Guidelines, 2015. Collection method: curation. Allele origin: germline. Inheritance: Autosomal recessive inheritance.
Comment: The p.Gly648Asp variant in GAA has been reported in one individual with glycogen storage disease II (PMID: 22644586) and has been identified in 0.001% (1/109444) of European (non-Finnish) chromosomes by the by the Genome Aggregation Database (gnomAD; dbSNP rs1448515860). Although this variant has been seen in the general population, its frequency is low enough to be consistent with a recessive carrier frequency. In vitro functional studies using cells and medium transfected with the variant provide some evidence that the p.Gly648Asp variant may impact protein function (PMID: 22644586). However, these types of assays may not accurately represent biological function. One additional pathogenic variant, resulting in a different amino acid change at the same position, p.Gly648Ser, has been reported in association with disease in the literature and ClinVar, supporting that a change at this position may not be tolerated (PMID: 9535769, 17643989, 26497565; Variation ID: 188902). Computational prediction tools and conservation analyses suggest that this variant may impact the protein, though this information is not predictive enough to determine pathogenicity. In summary, although additional studies are required to fully establish its clinical significance, this variant is likely pathogenic. ACMG/AMP Criteria applied: PS3, PM2, PM5, PP3 (Richards 2015).

Literature cited by the submitters: PubMed 38313679 (cited by Genomenon, Inc and Women's Health and Genetics/Laboratory Corporation of America, LabCorp); PubMed 23843830 (cited by Genomenon, Inc and Women's Health and Genetics/Laboratory Corporation of America, LabCorp); PubMed 22644586 (cited by Genomenon, Inc and Women's Health and Genetics/Laboratory Corporation of America, LabCorp); PubMed 33451932 (cited by Women's Health and Genetics/Laboratory Corporation of America, LabCorp); PubMed 23146291 (cited by Women's Health and Genetics/Laboratory Corporation of America, LabCorp).